The following is an entry in ClinVar:

ClinVar aggregate classification (germline): Uncertain significance (1 of 4 stars; one submission).

Conditions:
PCNT-related disorder. Also called: PCNT-related condition.

Submission:

PreventionGenetics, part of Exact Sciences
Classification: Uncertain significance for PCNT-related condition. Last evaluated: 2025-07-31. Review status: criteria provided, single submitter. Criteria: ACMG Guidelines, 2015. Collection method: clinical testing. Allele origin: germline.
Comment: The PCNT c.268C>A variant is predicted to result in the amino acid substitution p.Pro90Thr. To our knowledge, this variant has not been reported in the literature. This variant is reported in 0.012% of alleles in individuals of African descent in gnomAD. At this time, the clinical significance of this variant is uncertain due to the absence of conclusive functional and genetic evidence.

NM_006031.6(PCNT):c.268C>A (p.Pro90Thr)

Gene: PCNT (pericentrin; plus strand). Cytogenetic location: 21q22.3.
Variant type: single nucleotide variant.
Coding change: c.268C>A on transcript NM_006031.6 (MANE Select); coding-DNA position 268, C replaced by A.
Protein change: p.Pro90Thr; replaces proline 90 with threonine.
Molecular consequence: missense variant. On other transcripts: 5 prime UTR variant (1).
Genome position (GRCh38, 1-based): chr21:46,334,397, C>A. VCF-style: chr21-46334397-C-A. GRCh37 (hg19) VCF-style: chr21-47754311-C-A.
Other names: c.-87C>A (NM_001315529.2); short protein forms P90T.
Identifiers: ClinVar variation 4997254 (VCV004997254.1).